The following is an entry in ClinVar:

ClinVar aggregate classification (germline): Likely pathogenic (1 of 4 stars; one submission).

Conditions:
Oto-palato-digital syndrome, type II (OPD2). Also called: FACIOPALATOOSSEOUS SYNDROME; OPD II SYNDROME; Otopalatodigital Syndrome, Type II; Otopalatodigital Syndrome Type 2 (FLNA-OPD2). Identifiers: Orphanet 669, Orphanet 90652, MedGen C1844696, MONDO:0010571, OMIM 304120.
Frontometaphyseal dysplasia (FMD1). Identifiers: Orphanet 1826, MedGen C0265293, MONDO:0015942.
Melnick-Needles syndrome (MNS). Also called: MELNICK-NEEDLES OSTEODYSPLASTY; OSTEODYSPLASTY OF MELNICK AND NEEDLES; Melnick-Needles Syndrome (FLNA-MNS). Identifiers: Orphanet 2484, MedGen C0025237, MONDO:0010650, OMIM 309350.
Heterotopia, periventricular, X-linked dominant (PVNH1). Also called: PERIVENTRICULAR NODULAR HETEROTOPIA 1; PERIVENTRICULAR NODULAR HETEROTOPIA 4; HETEROTOPIA, PERIVENTRICULAR, 1; X-linked periventricular heterotopia. Identifiers: Orphanet 2149, Orphanet 82004, MedGen C1848213, MONDO:0010233, OMIM 300049.

Submission:

Labcorp Genetics (formerly Invitae), Labcorp
Classification: Likely pathogenic for Oto-palato-digital syndrome, type II; Heterotopia, periventricular, X-linked dominant; Frontometaphyseal dysplasia; Melnick-Needles syndrome. Last evaluated: 2026-01-05. Review status: criteria provided, single submitter. Criteria: Invitae Variant Classification Sherloc (09022015). Collection method: clinical testing. Allele origin: germline.
Comment: This sequence change affects an acceptor splice site in intron 16 of the FLNA gene. It is expected to disrupt RNA splicing. Variants that disrupt the donor or acceptor splice site typically lead to a loss of protein function (PMID: 16199547), and loss-of-function variants in FLNA are known to be pathogenic (PMID: 16684786, 20730588, 26471271). This variant is not present in population databases (gnomAD no frequency). This variant has not been reported in the literature in individuals affected with FLNA-related conditions. ClinVar contains an entry for this variant (Variation ID: 2069679). Algorithms developed to predict the effect of sequence changes on RNA splicing suggest that this variant may disrupt the consensus splice site. In summary, the currently available evidence indicates that the variant is pathogenic, but additional data are needed to prove that conclusively. Therefore, this variant has been classified as Likely Pathogenic.

Literature cited by the submitters: PubMed 16199547; PubMed 16684786; PubMed 20730588; PubMed 26471271.

NM_001110556.2(FLNA):c.2405-1G>C

Gene: FLNA (filamin A; minus strand). Cytogenetic location: Xq28.
Variant type: single nucleotide variant.
Coding change: c.2405-1G>C on transcript NM_001110556.2 (MANE Select); the canonical splice acceptor site of the intron before coding-DNA position 2405, G replaced by C.
Molecular consequence: splice acceptor variant.
Genome position (GRCh38, 1-based): chrX:154,362,579, C>G on the plus strand (G>C on the coding strand, the complement: FLNA is on the minus strand). VCF-style: chrX-154362579-C-G. GRCh37 (hg19) VCF-style: chrX-153590947-C-G.
Other names: c.2405-1G>C (NM_001456.4).
Identifiers: ClinVar variation 2069679 (VCV002069679.4), dbSNP rs2522749173, ClinGen allele CA415237051.